The following is an entry in ClinVar:

ClinVar aggregate classification (germline): Uncertain significance. Review status: criteria provided, multiple submitters, no conflicts (2 of 4 stars). 2 submissions from 2 submitters: Uncertain significance (2). Last evaluated 2025-08-01.

Conditions:
Neurodevelopmental disorder with or without seizures and gait abnormalities. Identifiers: MedGen C4693391, MONDO:0060641, OMIM 617864.
Inborn genetic diseases. Identifiers: MedGen C0950123, MeSH D030342.

gnomAD v4.1: 19 of 1,613,626 alleles (0.0012%); highest among the groups gnomAD compares: Admixed American, 0.0083%; 1 homozygote.

Submissions (2):

Ambry Genetics
Classification: Uncertain significance for Inborn genetic diseases. Last evaluated: 2025-08-01. Review status: criteria provided, single submitter. Criteria: Ambry Variant Classification Scheme 2023. Collection method: clinical testing. Allele origin: germline.

Neuberg Centre For Genomic Medicine, NCGM
Classification: Uncertain significance for Neurodevelopmental disorder with or without seizures and gait abnormalities. Review status: criteria provided, single submitter. Criteria: ACMG Guidelines, 2015. Collection method: clinical testing. Allele origin: germline. Inheritance: Autosomal dominant inheritance. Affected: yes.
Comment: The missense c.448G>A (p.Glu150Lys) variant in GRIA4 gene has not been reported previously as a pathogenic variant nor as a benign variant, to our knowledge. The p.Glu150Lys variant is present with allele frequency of 0.002% in gnomAD Exomes. This variant has not been submitted to the ClinVar database. Multiple lines of computational evidence (Polyphen - Benign, SIFT - Tolerated and Mutation Taster - Disease causing) predicts conflicting evidence on protein structure and function for this variant. The reference amino acid at this position on GRIA4 gene is predicted as conserved by GERP++ and PhyloP across 100 vertebrates. The amino acid Glu at position 150 is changed to a Lys changing protein sequence and it might alter its composition and physico-chemical properties. For these reasons, this variant has been classified as Variant of Uncertain Significance (VUS).

NM_000829.4(GRIA4):c.448G>A (p.Glu150Lys)

Genes: GRIA4 (glutamate ionotropic receptor AMPA type subunit 4; plus strand), LOC126861324 (CDK7 strongly-dependent group 2 enhancer GRCh37_chr11:105623830-105625029; plus strand). Cytogenetic location: 11q22.3.
Variant type: single nucleotide variant.
Coding change: c.448G>A on transcript NM_000829.4 (MANE Select); coding-DNA position 448, G replaced by A.
Protein change: p.Glu150Lys; replaces glutamic acid 150 with lysine.
Molecular consequence: missense variant. On other transcripts: non-coding transcript variant (1).
Genome position (GRCh38, 1-based): chr11:105,753,181, G>A. VCF-style: chr11-105753181-G-A. GRCh37 (hg19) VCF-style: chr11-105623907-G-A.
Other names: c.448G>A, p.Glu150Lys (NM_001077243.3, NM_001077244.2, NM_001112812.2); c.448G>A (NM_000829.3); short protein forms E150K.
Identifiers: ClinVar variation 3603297 (VCV003603297.2).